The following is an entry in ClinVar:

NM_004973.4(JARID2):c.3216del (p.Glu1073fs)

Gene: JARID2 (jumonji and AT-rich interaction domain containing 2; plus strand). Cytogenetic location: 6p22.3.
Variant type: Deletion.
Coding change: c.3216del on transcript NM_004973.4 (MANE Select); coding-DNA position 3216, one base deleted (A; older notation c.3216delA).
Protein change: p.Glu1073fs; shifts the reading frame from glutamic acid 1073.
Molecular consequence: frameshift variant.
Genome position (GRCh38, 1-based): chr6:15,512,995, A deleted; the last of 7 consecutive A bases (chr6:15,512,989-15,512,995); deleting any one gives the same sequence. VCF-style (leftmost placement, unchanged base first): chr6-15512988-CA-C. GRCh37 (hg19) VCF-style: chr6-15513219-CA-C.
Other names: c.2700del, p.Glu901fs (NM_001267040.1); short protein forms E1073fs, E901fs.
Identifiers: ClinVar variation 3903255 (VCV003903255.1).

ClinVar aggregate classification (germline): Likely pathogenic (1 of 4 stars; one submission).

Submission:

GeneDx
Classification: Likely pathogenic. Last evaluated: 2024-12-13. Review status: criteria provided, single submitter. Criteria: GeneDx Variant Classification Process June 2021. Collection method: clinical testing. Allele origin: germline. Affected: yes.
Comment: Frameshift variant predicted to result in protein truncation, as the last 174 amino acids are replaced with 105 different amino acids, and other loss-of-function variants have been reported downstream in HGMD; Not observed at significant frequency in large population cohorts (gnomAD); Has not been previously published as pathogenic or benign to our knowledge.